The following is an entry in ClinVar:

ClinVar aggregate classification (germline): Likely pathogenic (1 of 4 stars; one submission).

Submission:

New York Genome Center
Classification: Likely pathogenic. Last evaluated: 2021-06-27. Review status: criteria provided, single submitter. Criteria: NYGC Assertion Criteria 2020. Collection method: clinical testing. Allele origin: germline. Observed: 1 hemizygote. Study: CSER-NYCKidSeq.
Comment: The c.2603_2604delAA (p.Lys868ArgfsTer21) variant in coding exon 20 of 28 of L1CAM is predicted to result in frameshift and subsequent termination after 21 aminoacid residues. The variant has not been reported in affected individuals in the available literature and is absent in gnomAD v3 indicating it is not a common benignvariant in the populations represented in this database. This variant is not reported in Clinvar and multiple loss of function variants downstream to the one seen here are reported as Pathogenic/Likely pathogenic. Given the current evidence, the c.2603_2604delAA (p.Lys868ArgfsTer21) variant identified in the L1CAM gene is reported as a Likely Pathogenic.

NM_001278116.2(L1CAM):c.2603_2604del (p.Lys868fs)

Gene: L1CAM (L1 cell adhesion molecule; minus strand). Cytogenetic location: Xq28.
Variant type: Deletion.
Coding change: c.2603_2604del on transcript NM_001278116.2 (MANE Select); coding-DNA positions 2603 to 2604, 2 bases deleted (AA; older notation c.2603_2604delAA).
Protein change: p.Lys868fs; shifts the reading frame from lysine 868.
Molecular consequence: frameshift variant.
Genome position (GRCh38, 1-based): chrX:153,865,444-153,865,445, TT deleted on the plus strand (AA on the coding strand, the reverse complement: L1CAM is on the minus strand); deleting any 2 consecutive bases within chrX:153,865,444-153,865,446 gives the same sequence; the c. name uses the placement nearest the transcript's 3' end. VCF-style (leftmost placement, unchanged base first): chrX-153865443-CTT-C. GRCh37 (hg19) VCF-style: chrX-153130898-CTT-C.
Other names: c.2603_2604del, p.Lys868fs (NM_000425.5, NM_024003.3); c.2588_2589del, p.Lys863fs (NM_001143963.2); short protein forms K863fs, K868fs.
Identifiers: ClinVar variation 1679686 (VCV001679686.1), dbSNP rs2148494123, ClinGen allele CA2573159344.
Genomic context (GRCh38, chrX:153,865,443, plus strand): 5'-TATAGGGCCGCAAGCCACTGAGGATGACACTGGTGGTGTTGGCGGGCACCACCACATGGT[CTT>C]TGTGGATATGTCTCTTGCTGTGCTTCCTCTGACTGCCCTCCCTCCAGTACGTCACCTGCA-3'